The following is an entry in ClinVar:

NM_004484.4(GPC3):c.1310C>G (p.Ala437Gly)

Gene: GPC3 (glypican 3; minus strand). Cytogenetic location: Xq26.2.
Variant type: single nucleotide variant.
Coding change: c.1310C>G on transcript NM_004484.4 (MANE Select); coding-DNA position 1310, C replaced by G.
Protein change: p.Ala437Gly; replaces alanine 437 with glycine.
Molecular consequence: missense variant.
Genome position (GRCh38, 1-based): chrX:133,661,833, G>C on the plus strand (C>G on the coding strand, the complement: GPC3 is on the minus strand). VCF-style: chrX-133661833-G-C. GRCh37 (hg19) VCF-style: chrX-132795861-G-C.
Other names: c.1379C>G, p.Ala460Gly (NM_001164617.2); c.1262C>G, p.Ala421Gly (NM_001164618.2); c.1148C>G, p.Ala383Gly (NM_001164619.2); short protein forms A421G, A383G, A460G, A437G.
Identifiers: ClinVar variation 2076194 (VCV002076194.4), dbSNP rs2521016520, ClinGen allele CA414704794.

ClinVar aggregate classification (germline): Uncertain significance (1 of 4 stars; one submission).

Conditions:
Wilms tumor 1 (WT1). Also called: Wilms tumor, somatic. Identifiers: Orphanet 654, MedGen CN033288, MONDO:0008679, OMIM 194070.

Submission:

Labcorp Genetics (formerly Invitae), Labcorp
Classification: Uncertain significance for Wilms tumor 1. Last evaluated: 2022-01-06. Review status: criteria provided, single submitter. Criteria: Invitae Variant Classification Sherloc (09022015). Collection method: clinical testing. Allele origin: germline.
Comment: This variant has not been reported in the literature in individuals affected with GPC3-related conditions. In summary, the available evidence is currently insufficient to determine the role of this variant in disease. Therefore, it has been classified as a Variant of Uncertain Significance. Algorithms developed to predict the effect of missense changes on protein structure and function are either unavailable or do not agree on the potential impact of this missense change (SIFT: "Deleterious"; PolyPhen-2: "Possibly Damaging"; Align-GVGD: "Class C0"). This variant is not present in population databases (gnomAD no frequency). This sequence change replaces alanine, which is neutral and non-polar, with glycine, which is neutral and non-polar, at codon 437 of the GPC3 protein (p.Ala437Gly).